The following is an entry in ClinVar:

ClinVar aggregate classification (germline): Uncertain significance (1 of 4 stars; one submission).

gnomAD v4.1: 9 of 1,569,188 alleles (0.00057%); highest among the groups gnomAD compares: Non-Finnish European, 0.00078%; no homozygotes.

Submission:

Ambry Genetics
Classification: Uncertain significance. Last evaluated: 2024-12-21. Review status: criteria provided, single submitter. Criteria: Ambry Variant Classification Scheme 2023. Collection method: clinical testing. Allele origin: germline.
Comment: The p.A2035T variant (also known as c.6103G>A), located in coding exon 24 of the WNK2 gene, results from a G to A substitution at nucleotide position 6103. The alanine at codon 2035 is replaced by threonine, an amino acid with similar properties. This amino acid position is conserved. In addition, this alteration is predicted to be tolerated by in silico analysis. Based on the available evidence, the clinical significance of this variant remains unclear.

NM_006648.4(WNK2):c.6103G>A (p.Ala2035Thr)

Gene: WNK2 (WNK lysine deficient protein kinase 2; plus strand). Cytogenetic location: 9q22.31.
Variant type: single nucleotide variant.
Coding change: c.6103G>A on transcript NM_006648.4 (MANE Select); coding-DNA position 6103, G replaced by A.
Protein change: p.Ala2035Thr; replaces alanine 2035 with threonine.
Molecular consequence: missense variant.
Genome position (GRCh38, 1-based): chr9:93,299,249, G>A. VCF-style: chr9-93299249-G-A. GRCh37 (hg19) VCF-style: chr9-96061531-G-A.
Other names: c.6214G>A, p.Ala2072Thr (NM_001282394.3); short protein forms A2035T, A2072T.
Identifiers: ClinVar variation 3816581 (VCV003816581.1).